The following is an entry in ClinVar:

NM_031407.7(HUWE1):c.2570C>T (p.Pro857Leu)

Gene: HUWE1 (HECT, UBA and WWE domain containing E3 ubiquitin protein ligase 1; minus strand). Cytogenetic location: Xp11.22.
Variant type: single nucleotide variant.
Coding change: c.2570C>T on transcript NM_031407.7 (MANE Select); coding-DNA position 2570, C replaced by T.
Protein change: p.Pro857Leu; replaces proline 857 with leucine.
Molecular consequence: missense variant.
Genome position (GRCh38, 1-based): chrX:53,604,761, G>A on the plus strand (C>T on the coding strand, the complement: HUWE1 is on the minus strand). VCF-style: chrX-53604761-G-A. GRCh37 (hg19) VCF-style: chrX-53631722-G-A.
Other names: short protein forms P857L.
Identifiers: ClinVar variation 500717 (VCV000500717.11), dbSNP rs782526786, ClinGen allele CA10422707.
Genomic context (GRCh38, chrX:53,604,761, plus strand): 5'-GCGCAAGCCAGTTCTCGCAACAACACTGAGCCCCCAGGGGATTCAATGGGGCGGTGTAAG[G>A]GCTCCAGGGAGGAGAGGATGGAGTCCAACTGAAGGAGACCCTCTTGAAGGACTTTGGGTT-3'
Protein context (NP_113584.3, residues 847-867): QLDSILSSLE[Pro857Leu]LHRPIESPGG

ClinVar aggregate classification (germline): Conflicting classifications of pathogenicity. Review status: criteria provided, conflicting classifications (1 of 4 stars). 5 submissions from 5 submitters: Uncertain significance (3); Benign (1); Likely benign (1). Last evaluated 2025-01-30.

Conditions:
Inborn genetic diseases. Identifiers: MedGen C0950123, MeSH D030342.
Intellectual developmental disorder, X-linked, syndromic, Turner type. Also called: Intellectual disability, X-linked syndromic, Turner type; X-linked intellectual disability, Turner type. Identifiers: Orphanet 3056, Orphanet 85328, MedGen C2678046, MONDO:0010407, OMIM 309590.

Allele frequency attached by ClinVar (database versions not stated): TOPMed 0.00002; ExAC 0.00003; gnomAD 0.00004; gnomAD exomes 0.00003 and 0.00008.
gnomAD v4.1: 87 of 1,209,715 alleles (0.0072%); highest among the groups gnomAD compares: Non-Finnish European, 0.0095%; no homozygotes.

Submissions (5):

Labcorp Genetics (formerly Invitae), Labcorp
Classification: Benign. Last evaluated: 2025-01-30. Review status: criteria provided, single submitter. Criteria: Invitae Variant Classification Sherloc (09022015). Collection method: clinical testing. Allele origin: germline.

GeneDx
Classification: Uncertain significance. Last evaluated: 2022-06-03. Review status: criteria provided, single submitter. Criteria: GeneDx Variant Classification Process June 2021. Collection method: clinical testing. Allele origin: germline. Affected: yes.
Comment: In silico analysis supports that this missense variant has a deleterious effect on protein structure/function; Has not been previously published as pathogenic or benign to our knowledge

Ambry Genetics
Classification: Likely benign for Inborn genetic diseases. Last evaluated: 2022-02-02. Review status: criteria provided, single submitter. Criteria: Ambry Variant Classification Scheme 2023. Collection method: clinical testing. Allele origin: germline.

Institute of Human Genetics, University of Goettingen
Classification: Uncertain significance for Intellectual developmental disorder, X-linked, syndromic, Turner type. Last evaluated: 2021-04-14. Review status: criteria provided, single submitter. Criteria: ACMG Guidelines, 2015. Collection method: clinical testing. Allele origin: germline. Inheritance: X-linked inheritance. Affected: yes.

Eurofins Ntd Llc (ga)
Classification: Uncertain significance. Last evaluated: 2017-03-15. Review status: criteria provided, single submitter. Criteria: EGL Classification Definitions 2015. Collection method: clinical testing. Allele origin: germline. Observed: 1 variant allele, 1 hemizygote.

Literature cited by the submitters: PubMed 29180823 (cited by Institute of Human Genetics, University of Goettingen).